The following is an entry in ClinVar:

NM_198253.3(TERT):c.2382+6G>C

Gene: TERT (telomerase reverse transcriptase; minus strand). Cytogenetic location: 5p15.33.
Variant type: single nucleotide variant.
Coding change: c.2382+6G>C on transcript NM_198253.3 (MANE Select); 6 bases into the intron after coding-DNA position 2382, G replaced by C.
Molecular consequence: intron variant.
Genome position (GRCh38, 1-based): chr5:1,272,179, C>G on the plus strand (G>C on the coding strand, the complement: TERT is on the minus strand). VCF-style: chr5-1272179-C-G. GRCh37 (hg19) VCF-style: chr5-1272294-C-G.
Other names: c.2382+6G>C (NM_001193376.3).
Identifiers: ClinVar variation 1479774 (VCV001479774.6), dbSNP rs1400066265, ClinGen allele CA557567981.

ClinVar aggregate classification (germline): Uncertain significance (1 of 4 stars; one submission).

Conditions:
Idiopathic Pulmonary Fibrosis. Also called: Idiopathic fibrosing alveolitis, chronic form; idiopathic fibrosing alveolitis. Identifiers: Orphanet 2032, MedGen C1800706, MeSH D054990, MONDO:0800504.
Dyskeratosis congenita, autosomal dominant 2. Identifiers: MedGen C3151443, MONDO:0013521, OMIM 613989.

Submission:

Labcorp Genetics (formerly Invitae), Labcorp
Classification: Uncertain significance for Dyskeratosis congenita, autosomal dominant 2; Idiopathic Pulmonary Fibrosis. Last evaluated: 2025-07-07. Review status: criteria provided, single submitter. Criteria: Invitae Variant Classification Sherloc (09022015). Collection method: clinical testing. Allele origin: germline.
Comment: This sequence change falls in intron 7 of the TERT gene. It does not directly change the encoded amino acid sequence of the TERT protein. It affects a nucleotide within the consensus splice site. This variant is not present in population databases (gnomAD no frequency). This variant has not been reported in the literature in individuals affected with TERT-related conditions. ClinVar contains an entry for this variant (Variation ID: 1479774). Variants that disrupt the consensus splice site are a relatively common cause of aberrant splicing (PMID: 17576681, 9536098). Algorithms developed to predict the effect of sequence changes on RNA splicing suggest that this variant is not likely to affect RNA splicing. In summary, the available evidence is currently insufficient to determine the role of this variant in disease. Therefore, it has been classified as a Variant of Uncertain Significance.

Literature cited by the submitters: PubMed 17576681; PubMed 9536098.